The following is an entry in ClinVar:

NM_022458.4(LMBR1):c.423+4818A>T

Genes: LMBR1 (limb development membrane protein 1; minus strand), ZRS (ZPA regulatory sequence; plus strand). Cytogenetic location: 7q36.3.
Variant type: single nucleotide variant.
Coding change: c.423+4818A>T on transcript NM_022458.4 (MANE Select); 4818 bases into the intron after coding-DNA position 423, A replaced by T.
Molecular consequence: intron variant.
Genome position (GRCh38, 1-based): chr7:156,791,571, T>A on the plus strand (A>T on the coding strand, the complement: LMBR1 is on the minus strand). VCF-style: chr7-156791571-T-A. GRCh37 (hg19) VCF-style: chr7-156584265-T-A.
Other names: 305A-T; c.360+4818A>T (NM_001363412.2); c.144+4818A>T (NM_001350954.2); c.423+4818A>T (NM_001363410.2, NM_001363409.2, NM_001350953.2); c.-112+4818A>T (NM_001350958.2, NM_001350956.2, NM_001350955.2 and 1 more transcripts); c.54+4818A>T (NM_001350957.2, NM_001363411.2).
Identifiers: ClinVar variation 4899 (VCV000004899.5), dbSNP rs606231148, ClinGen allele CA117133.

ClinVar aggregate classification (germline): Pathogenic (0 of 4 stars; one submission).

Conditions:
Polydactyly of a triphalangeal thumb. Also called: POLYDACTYLY OF TRIPHALANGEAL THUMB; TRIPHALANGEAL THUMB-POLYDACTYLY SYNDROME; Polydactyly, preaxial type II. Identifiers: Orphanet 2439, Orphanet 2950, Orphanet 93336, MedGen C1868114, MONDO:0008270, OMIM 174500.

Submission:

OMIM
Classification: Pathogenic for POLYDACTYLY, PREAXIAL II. Last evaluated: 2003-07-15. Review status: no assertion criteria provided. Collection method: literature only. Allele origin: germline.

Literature cited by the submitters: PubMed 12837695; PubMed 32169219.